The following is an entry in ClinVar:

NM_198904.4(GABRG2):c.1171C>T (p.Arg391Cys)

Gene: GABRG2 (gamma-aminobutyric acid type A receptor subunit gamma2; plus strand). Cytogenetic location: 5q34.
Variant type: single nucleotide variant.
Coding change: c.1171C>T on transcript NM_198904.4 (MANE Select); coding-DNA position 1171, C replaced by T.
Protein change: p.Arg391Cys; replaces arginine 391 with cysteine.
Molecular consequence: missense variant. On other transcripts: 3 prime UTR variant (1).
Genome position (GRCh38, 1-based): chr5:162,153,111, C>T. VCF-style: chr5-162153111-C-T. GRCh37 (hg19) VCF-style: chr5-161580117-C-T.
Other names: c.1147C>T, p.Arg383Cys (NM_000816.3); c.1162C>T, p.Arg388Cys (NM_001375339.1); c.*5C>T (NM_001375340.1); c.1168C>T, p.Arg390Cys (NM_001375341.1); c.1144C>T, p.Arg382Cys (NM_001375342.1); c.1267C>T, p.Arg423Cys (NM_001375343.1); c.1210C>T, p.Arg404Cys (NM_001375344.1); c.1081C>T, p.Arg361Cys (NM_001375345.1); and 6 more; short protein forms R361C, R369C, R382C, R243C, R362C, R388C, R288C, R383C.
Identifiers: ClinVar variation 1391064 (VCV001391064.8), dbSNP rs768576864, ClinGen allele CA3544968.

ClinVar aggregate classification (germline): Uncertain significance (1 of 4 stars; one submission).

Conditions:
EPILEPSY, CHILDHOOD ABSENCE, SUSCEPTIBILITY TO, 2 (ECA2). Identifiers: Orphanet 64280, MedGen C1843244, OMIM 607681.
Febrile seizures, familial, 8 (FEB8). Also called: CONVULSIONS, FAMILIAL FEBRILE, 8. Identifiers: Orphanet 36387, MedGen C1969810, MONDO:0011891, OMIM 607681.

Allele frequency attached by ClinVar (database versions not stated): gnomAD exomes below 0.00001 and 0.00001; ExAC 0.00001.
gnomAD v4.1: 2 of 1,614,020 alleles (0.00012%); highest among the groups gnomAD compares: Non-Finnish European, 0.00017%; no homozygotes.

Submission:

Labcorp Genetics (formerly Invitae), Labcorp
Classification: Uncertain significance for Febrile seizures, familial, 8; EPILEPSY, CHILDHOOD ABSENCE, SUSCEPTIBILITY TO, 2. Last evaluated: 2025-05-07. Review status: criteria provided, single submitter. Criteria: Invitae Variant Classification Sherloc (09022015). Collection method: clinical testing. Allele origin: germline.
Comment: This sequence change replaces arginine, which is basic and polar, with cysteine, which is neutral and slightly polar, at codon 383 of the GABRG2 protein (p.Arg383Cys). This variant is present in population databases (rs768576864, gnomAD 0.007%). This missense change has been observed in individual(s) with neurodevelopmental disorders (PMID: 33004838). ClinVar contains an entry for this variant (Variation ID: 1391064). Invitae Evidence Modeling of protein sequence and biophysical properties (such as structural, functional, and spatial information, amino acid conservation, physicochemical variation, residue mobility, and thermodynamic stability) has been performed for this missense variant. However, the output from this modeling did not meet the statistical confidence thresholds required to predict the impact of this variant on GABRG2 protein function. In summary, the available evidence is currently insufficient to determine the role of this variant in disease. Therefore, it has been classified as a Variant of Uncertain Significance.

Literature cited by the submitters: PubMed 33004838.